The following is an entry in ClinVar:

NM_024577.4(SH3TC2):c.*19573G>A

Genes: SH3TC2 (SH3 domain and tetratricopeptide repeats 2; minus strand), LOC126807546 (P300/CBP strongly-dependent group 1 enhancer GRCh37_chr5:148363540-148364739; plus strand). Cytogenetic location: 5q32.
Variant type: single nucleotide variant.
Coding change: c.*19573G>A on transcript NM_024577.4 (MANE Select); 19573 bases downstream of the stop codon, G replaced by A.
Molecular consequence: 3 prime UTR variant.
Genome position (GRCh38, 1-based): chr5:148,985,138, C>T on the plus strand (G>A on the coding strand, the complement: SH3TC2 is on the minus strand). VCF-style: chr5-148985138-C-T. GRCh37 (hg19) VCF-style: chr5-148364701-C-T.
Identifiers: ClinVar variation 351594 (VCV000351594.8), dbSNP rs4560536, ClinGen allele CA10619418.

ClinVar aggregate classification (germline): Benign. Review status: criteria provided, multiple submitters, no conflicts (2 of 4 stars). 3 submissions from 2 submitters: Benign (3). Last evaluated 2021-05-15.

Conditions:
Susceptibility to mononeuropathy of the median nerve, mild. Also called: CARPAL TUNNEL SYNDROME, SUSCEPTIBILITY TO. Identifiers: MedGen C3150596, MONDO:0013237, OMIM 613353.
Charcot-Marie-Tooth disease type 4C (CMT4C). Also called: CHARCOT-MARIE-TOOTH DISEASE, DEMYELINATING, AUTOSOMAL RECESSIVE, TYPE 4C; CMT 4C; Charcot-Marie-Tooth Neuropathy Type 4C (CMT4C); CHARCOT-MARIE-TOOTH DISEASE, DEMYELINATING, TYPE 4C; SH3TC2-Related Hereditary Motor and Sensory Neuropathy. Identifiers: Orphanet 99949, MedGen C1866636, MONDO:0011113, OMIM 601596.

Allele frequency attached by ClinVar (database versions not stated): 1000 Genomes Project 30x 0.46502; TOPMed 0.47017; 1000 Genomes Project 0.47165; gnomAD 0.51021 and 0.51421.
gnomAD v4.1: 72,260 of 140,502 alleles (51%); highest among the groups gnomAD compares: East Asian, 65%; 18,593 homozygotes.

Submissions (3):

GeneDx
Classification: Benign. Last evaluated: 2021-05-15. Review status: criteria provided, single submitter. Criteria: GeneDx Variant Classification Process June 2021. Collection method: clinical testing. Allele origin: germline. Affected: yes.

Illumina Laboratory Services, Illumina
Classification: Benign for Susceptibility to mononeuropathy of the median nerve, mild. Last evaluated: 2018-01-13. Review status: criteria provided, single submitter. Criteria: ICSL Variant Classification Criteria 13 December 2019. Collection method: clinical testing. Allele origin: germline.
Comment: This variant was observed in the ICSL laboratory as part of a predisposition screen in an ostensibly healthy population. It had not been previously curated by ICSL or reported in the Human Gene Mutation Database (HGMD: prior to June 1st, 2018), and was therefore a candidate for classification through an automated scoring system. Utilizing variant allele frequency, disease prevalence and penetrance estimates, and inheritance mode, an automated score was calculated to assess if this variant is too frequent to cause the disease. Based on the score and internal cut-off values, a variant classified as benign is not then subjected to further curation. The score for this variant resulted in a classification of benign for this disease.

Illumina Laboratory Services, Illumina
Classification: Benign for Charcot-Marie-Tooth disease type 4C. Last evaluated: 2018-01-13. Review status: criteria provided, single submitter. Criteria: ICSL Variant Classification Criteria 13 December 2019. Collection method: clinical testing. Allele origin: germline.
Comment: the same text as in the submission from Illumina Laboratory Services, Illumina above.